The following is an entry in ClinVar:

NM_001127222.2(CACNA1A):c.1448T>A (p.Val483Asp)

Gene: CACNA1A (calcium voltage-gated channel subunit alpha1 A; minus strand). Cytogenetic location: 19p13.13.
Variant type: single nucleotide variant.
Coding change: c.1448T>A on transcript NM_001127222.2 (MANE Select); coding-DNA position 1448, T replaced by A.
Protein change: p.Val483Asp; replaces valine 483 with aspartic acid.
Molecular consequence: missense variant.
Genome position (GRCh38, 1-based): chr19:13,317,219, A>T on the plus strand (T>A on the coding strand, the complement: CACNA1A is on the minus strand). VCF-style: chr19-13317219-A-T. GRCh37 (hg19) VCF-style: chr19-13428033-A-T.
Other names: c.1451T>A, p.Val484Asp (NM_000068.4, NM_001127221.2, NM_001174080.2 and 1 more transcripts); short protein forms V483D, V484D.
Identifiers: ClinVar variation 2921350 (VCV002921350.3), dbSNP rs2512982980, ClinGen allele CA404345787.

ClinVar aggregate classification (germline): Uncertain significance (1 of 4 stars; one submission).

Conditions:
Developmental and epileptic encephalopathy, 42 (DEE42A). Also called: DEVELOPMENTAL AND EPILEPTIC ENCEPHALOPATHY 42A; EPILEPTIC ENCEPHALOPATHY, EARLY INFANTILE, 42A; Epileptic encephalopathy, early infantile, 42. Identifiers: MedGen C4310716, MONDO:0014917, OMIM 617106.
Episodic ataxia type 2 (EA2). Also called: ACETAZOLAMIDE-RESPONSIVE HEREDITARY PAROXYSMAL CEREBELLAR ATAXIA; ATAXIA, EPISODIC, WITH NYSTAGMUS; ATAXIA, FAMILIAL PAROXYSMAL; CEREBELLAR ATAXIA, PAROXYSMAL, ACETAZOLAMIDE-RESPONSIVE; CEREBELLOPATHY, HEREDITARY PAROXYSMAL; EPISODIC ATAXIA, NYSTAGMUS-ASSOCIATED. Identifiers: Orphanet 97, MedGen C1720416, MONDO:0007163, OMIM 108500.

Submission:

Labcorp Genetics (formerly Invitae), Labcorp
Classification: Uncertain significance for Developmental and epileptic encephalopathy, 42; Episodic ataxia type 2. Last evaluated: 2023-12-12. Review status: criteria provided, single submitter. Criteria: Invitae Variant Classification Sherloc (09022015). Collection method: clinical testing. Allele origin: germline.
Comment: This sequence change replaces valine, which is neutral and non-polar, with aspartic acid, which is acidic and polar, at codon 484 of the CACNA1A protein (p.Val484Asp). This variant is not present in population databases (gnomAD no frequency). This variant has not been reported in the literature in individuals affected with CACNA1A-related conditions. Advanced modeling of protein sequence and biophysical properties (such as structural, functional, and spatial information, amino acid conservation, physicochemical variation, residue mobility, and thermodynamic stability) performed at Invitae indicates that this missense variant is expected to disrupt CACNA1A protein function with a positive predictive value of 95%. In summary, the available evidence is currently insufficient to determine the role of this variant in disease. Therefore, it has been classified as a Variant of Uncertain Significance.